The following is an entry in ClinVar:

ClinVar aggregate classification (germline): Uncertain significance (1 of 4 stars; one submission).

Conditions:
Neuronopathy, distal hereditary motor, type 7A. Also called: Neuronopathy, distal hereditary motor, type viia; HARPER-YOUNG MYOPATHY; HMN VIIA; NEURONOPATHY, DISTAL HEREDITARY MOTOR, HARDING TYPE VIIA; NEUROPATHY, DISTAL HEREDITARY MOTOR, HARDING TYPE VIIA; Neuronopathy, distal hereditary motor, autosomal dominant 7. Identifiers: Orphanet 139589, MedGen C1834703, MONDO:0008024, OMIM 158580.
Congenital myasthenic syndrome 20. Also called: Myasthenic syndrome, congenital, 20, presynaptic. Identifiers: MedGen C4310694, MONDO:0014939, OMIM 617143.

Submission:

Labcorp Genetics (formerly Invitae), Labcorp
Classification: Uncertain significance for Neuronopathy, distal hereditary motor, type 7A; Congenital myasthenic syndrome 20. Last evaluated: 2023-12-14. Review status: criteria provided, single submitter. Criteria: Invitae Variant Classification Sherloc (09022015). Collection method: clinical testing. Allele origin: germline.
Comment: This sequence change replaces aspartic acid, which is acidic and polar, with histidine, which is basic and polar, at codon 158 of the SLC5A7 protein (p.Asp158His). This variant is not present in population databases (gnomAD no frequency). This variant has not been reported in the literature in individuals affected with SLC5A7-related conditions. Advanced modeling of protein sequence and biophysical properties (such as structural, functional, and spatial information, amino acid conservation, physicochemical variation, residue mobility, and thermodynamic stability) performed at Invitae indicates that this missense variant is not expected to disrupt SLC5A7 protein function with a negative predictive value of 80%. In summary, the available evidence is currently insufficient to determine the role of this variant in disease. Therefore, it has been classified as a Variant of Uncertain Significance.

NM_021815.5(SLC5A7):c.472G>C (p.Asp158His)

Gene: SLC5A7 (solute carrier family 5 member 7; plus strand). Cytogenetic location: 2q12.3.
Variant type: single nucleotide variant.
Coding change: c.472G>C on transcript NM_021815.5 (MANE Select); coding-DNA position 472, G replaced by C.
Protein change: p.Asp158His; replaces aspartic acid 158 with histidine.
Molecular consequence: missense variant. On other transcripts: 5 prime UTR variant (1).
Genome position (GRCh38, 1-based): chr2:107,997,861, G>C. VCF-style: chr2-107997861-G-C. GRCh37 (hg19) VCF-style: chr2-108614317-G-C.
Other names: c.472G>C, p.Asp158His (NM_001305005.3); c.157G>C, p.Asp53His (NM_001305006.3); c.-233G>C (NM_001305007.3); short protein forms D53H, D158H.
Identifiers: ClinVar variation 2921402 (VCV002921402.3), dbSNP rs768776054, ClinGen allele CA348112425.